The following is an entry in ClinVar:

ClinVar aggregate classification (germline): Pathogenic (1 of 4 stars; one submission).

Conditions:
Finnish congenital nephrotic syndrome (NPHS1). Also called: NEPHROTIC SYNDROME, TYPE 1. Identifiers: Orphanet 839, MedGen C0403399, MONDO:0009732, OMIM 256300.

Submission:

Myriad Genetics, Inc.
Classification: Pathogenic for Finnish congenital nephrotic syndrome. Last evaluated: 2024-06-25. Review status: criteria provided, single submitter. Criteria: Myriad Autosomal Dominant, Autosomal Recessive and X-Linked Classification Criteria (2023). Collection method: clinical testing. Allele origin: unknown.
Comment: NM_004646.3(NPHS1):c.574delC(Q192Sfs*13) is expected to be pathogenic in the context of nephrotic syndrome, NPHS1-related. This variant is predicted to lead to an abnormal or absent protein product due to the creation of a premature termination codon in NPHS1, a gene where loss-of-function variants are known to be pathogenic. Please note: this variant was assessed in the context of healthy population screening.

NM_004646.4(NPHS1):c.574del (p.Gln192fs)

Gene: NPHS1 (NPHS1 adhesion molecule, nephrin; minus strand). Cytogenetic location: 19q13.12.
Variant type: Deletion.
Coding change: c.574del on transcript NM_004646.4 (MANE Select); coding-DNA position 574, one base deleted (C; older notation c.574delC).
Protein change: p.Gln192fs; shifts the reading frame from glutamine 192.
Molecular consequence: frameshift variant.
Genome position (GRCh38, 1-based): chr19:35,850,398, G deleted on the plus strand (C on the coding strand, the reverse complement: NPHS1 is on the minus strand); the first of 3 consecutive G bases (chr19:35,850,398-35,850,400); deleting any one gives the same sequence. VCF-style (leftmost placement, unchanged base first): chr19-35850397-TG-T. GRCh37 (hg19) VCF-style: chr19-36341299-TG-T.
Other names: short protein forms Q192fs.
Identifiers: ClinVar variation 5013237 (VCV005013237.1).